The following is an entry in ClinVar:

ClinVar aggregate classification (germline): Uncertain significance. Review status: criteria provided, multiple submitters, no conflicts (2 of 4 stars). 2 submissions from 2 submitters: Uncertain significance (2). Last evaluated 2025-08-20.

Conditions:
Cardiovascular phenotype. Identifiers: MedGen CN230736.

Submissions (2):

Ambry Genetics
Classification: Uncertain significance for Cardiovascular phenotype. Last evaluated: 2025-08-20. Review status: criteria provided, single submitter. Criteria: Ambry Variant Classification Scheme 2023. Collection method: clinical testing. Allele origin: germline.
Comment: The p.L2572H variant (also known as c.7715T>A), located in coding exon 46 of the FLNC gene, results from a T to A substitution at nucleotide position 7715. The leucine at codon 2572 is replaced by histidine, an amino acid with similar properties. This amino acid position is conserved. In addition, this alteration is predicted to be deleterious by in silico analysis. Based on the available evidence, the clinical significance of this variant remains unclear.

GeneDx
Classification: Uncertain significance. Last evaluated: 2019-10-16. Review status: criteria provided, single submitter. Criteria: GeneDx Variant Classification Process June 2021. Collection method: clinical testing. Allele origin: germline. Affected: yes.
Comment: Not observed in large population cohorts (Lek et al., 2016); In silico analysis, which includes protein predictors and evolutionary conservation, supports a deleterious effect; Has not been previously published as pathogenic or benign to our knowledge

NM_001458.5(FLNC):c.7715T>A (p.Leu2572His)

Genes: FLNC (filamin C; plus strand), FLNC-AS1 (FLNC antisense RNA 1; minus strand). Cytogenetic location: 7q32.1.
Variant type: single nucleotide variant.
Coding change: c.7715T>A on transcript NM_001458.5 (MANE Select); coding-DNA position 7715, T replaced by A.
Protein change: p.Leu2572His; replaces leucine 2572 with histidine.
Molecular consequence: missense variant.
Genome position (GRCh38, 1-based): chr7:128,857,271, T>A. VCF-style: chr7-128857271-T-A. GRCh37 (hg19) VCF-style: chr7-128497325-T-A.
Other names: c.7616T>A, p.Leu2539His (NM_001127487.2); short protein forms L2539H, L2572H.
Identifiers: ClinVar variation 1303834 (VCV001303834.3), dbSNP rs2128940393, ClinGen allele CA369219802.
Genomic context (GRCh38, chr7:128,857,271, plus strand): 5'-GTCGGGAGTGTCCTGAGGGCCATGTGGTCACTTATACTCCCATGGCCCCTGGCAACTACC[T>A]CATTGCCATCAAGTACGGTGGCCCCCAGCACATCGTGGGCAGCCCCTTCAAGGCCAAGGT-3'
Protein context (NP_001449.3, residues 2562-2582): TYTPMAPGNY[Leu2572His]IAIKYGGPQH